The following is an entry in ClinVar:

ClinVar aggregate classification (germline): Uncertain significance (1 of 4 stars; one submission).

Conditions:
Polyglandular autoimmune syndrome, type 1 (APS1). Also called: AUTOIMMUNE POLYENDOCRINE SYNDROME, TYPE I, WITH OR WITHOUT REVERSIBLE METAPHYSEAL DYSPLASIA; APS I; HYPOADRENOCORTICISM WITH HYPOPARATHYROIDISM AND SUPERFICIAL MONILIASIS; Autoimmune polyendocrine syndrome type 1; Autoimmune polyendocrinopathy syndrome, type I; PGA I. Identifiers: Orphanet 3453, MedGen C0085859, MONDO:0009411, OMIM 240300.

Submission:

3billion
Classification: Uncertain significance for Polyglandular autoimmune syndrome, type 1. Last evaluated: 2022-05-22. Review status: criteria provided, single submitter. Criteria: ACMG Guidelines, 2015. Collection method: clinical testing. Allele origin: germline. Affected: yes. Observed: 1 heterozygote.
Comment: The variant is not observed in the gnomAD v2.1.1 dataset. In silico tool predictions suggest damaging effect of the variant on gene or gene product (REVEL: 0.70; 3Cnet: 0.22). Therefore, this variant is classified as uncertain significanceaccording to the recommendation of ACMG/AMP guideline.

NM_000383.4(AIRE):c.136A>T (p.Thr46Ser)

Gene: AIRE (autoimmune regulator; plus strand). Cytogenetic location: 21q22.3.
Variant type: single nucleotide variant.
Coding change: c.136A>T on transcript NM_000383.4 (MANE Select); coding-DNA position 136, A replaced by T.
Protein change: p.Thr46Ser; replaces threonine 46 with serine.
Molecular consequence: missense variant.
Genome position (GRCh38, 1-based): chr21:44,286,560, A>T. VCF-style: chr21-44286560-A-T. GRCh37 (hg19) VCF-style: chr21-45706443-A-T.
Other names: short protein forms T46S.
Identifiers: ClinVar variation 1687231 (VCV001687231.1), dbSNP rs2146375707, ClinGen allele CA410423203.